The following is an entry in ClinVar:

NM_001184880.2(PCDH19):c.1279G>A (p.Asp427Asn)

Gene: PCDH19 (protocadherin 19; minus strand). Cytogenetic location: Xq22.1.
Variant type: single nucleotide variant.
Coding change: c.1279G>A on transcript NM_001184880.2 (MANE Select); coding-DNA position 1279, G replaced by A.
Protein change: p.Asp427Asn; replaces aspartic acid 427 with asparagine.
Molecular consequence: missense variant.
Genome position (GRCh38, 1-based): chrX:100,407,319, C>T on the plus strand (G>A on the coding strand, the complement: PCDH19 is on the minus strand). VCF-style: chrX-100407319-C-T. GRCh37 (hg19) VCF-style: chrX-99662317-C-T.
Other names: c.1279G>A, p.Asp427Asn (NM_001105243.2, NM_020766.3); short protein forms D427N.
Identifiers: ClinVar variation 2809780 (VCV002809780.3), dbSNP rs2520984056, ClinGen allele CA414003278.

ClinVar aggregate classification (germline): Uncertain significance (1 of 4 stars; one submission).

Conditions:
Developmental and epileptic encephalopathy, 9 (DEE9). Also called: Early infantile epileptic encephalopathy 9; EPILEPSY, FEMALE-RESTRICTED, WITH MENTAL RETARDATION; JUBERG-HELLMAN SYNDROME; PCDH19-Related X-Linked Female-Limited Epilepsy with Mental Retardation. Identifiers: Orphanet 101039, Orphanet 2076, MedGen C1848137, MONDO:0010246, OMIM 300088. Disease mechanism: loss of function.

Submission:

Labcorp Genetics (formerly Invitae), Labcorp
Classification: Uncertain significance for Developmental and epileptic encephalopathy, 9. Last evaluated: 2023-12-03. Review status: criteria provided, single submitter. Criteria: Invitae Variant Classification Sherloc (09022015). Collection method: clinical testing. Allele origin: germline.
Comment: This sequence change replaces aspartic acid, which is acidic and polar, with asparagine, which is neutral and polar, at codon 427 of the PCDH19 protein (p.Asp427Asn). This variant is not present in population databases (gnomAD no frequency). This variant has not been reported in the literature in individuals affected with PCDH19-related conditions. Advanced modeling of protein sequence and biophysical properties (such as structural, functional, and spatial information, amino acid conservation, physicochemical variation, residue mobility, and thermodynamic stability) performed at Invitae indicates that this missense variant is expected to disrupt PCDH19 protein function with a positive predictive value of 95%. In summary, the available evidence is currently insufficient to determine the role of this variant in disease. Therefore, it has been classified as a Variant of Uncertain Significance.